The following is an entry in ClinVar:

NM_198503.5(KCNT2):c.1919C>T (p.Ser640Leu)

Gene: KCNT2 (potassium sodium-activated channel subfamily T member 2; minus strand). Cytogenetic location: 1q31.3.
Variant type: single nucleotide variant.
Coding change: c.1919C>T on transcript NM_198503.5 (MANE Select); coding-DNA position 1919, C replaced by T.
Protein change: p.Ser640Leu; replaces serine 640 with leucine.
Molecular consequence: missense variant. On other transcripts: non-coding transcript variant (2).
Genome position (GRCh38, 1-based): chr1:196,333,925, G>A on the plus strand (C>T on the coding strand, the complement: KCNT2 is on the minus strand). VCF-style: chr1-196333925-G-A. GRCh37 (hg19) VCF-style: chr1-196303055-G-A.
Other names: c.1919C>T (NM_198503.3); c.1919C>T, p.Ser640Leu (NM_001287819.3); c.1769C>T, p.Ser590Leu (NM_001287820.3); short protein forms S590L, S640L.
Identifiers: ClinVar variation 2288015 (VCV002288015.28), dbSNP rs149725107, ClinGen allele CA1304331.
Genomic context (GRCh38, chr1:196,333,925, plus strand): 5'-TCTTCATCTGGTGTAGTTTCATCTTCTGATTGGTCACTTAGAAGATCACATGTTTGAATC[G>A]ATGATGTATCTGCAACCTCTAAAACAGGAGCAATGCTAGGTCTTCTTATTTCTTTGCTTC-3'
Protein context (NP_940905.2, residues 630-650): APVLEVADTS[Ser640Leu]IQTCDLLSDQ

ClinVar aggregate classification (germline): Likely benign. Review status: criteria provided, multiple submitters, no conflicts (2 of 4 stars). 4 submissions from 4 submitters: Likely benign (3). 1 of the submissions does not count toward it. Last evaluated 2024-11-25.

Conditions:
KCNT2-related disorder. Also called: KCNT2-related condition. Identifiers: MedGen CN236796.
Inborn genetic diseases. Identifiers: MedGen C0950123, MeSH D030342.

Allele frequency attached by ClinVar (database versions not stated): gnomAD exomes 0.00032; ExAC 0.00036; ESP Exome Variant Server 0.00038; 1000 Genomes Project 0.00040; 1000 Genomes Project 30x 0.00047; TOPMed 0.00048; gnomAD 0.00049.
gnomAD v4.1: 543 of 1,612,424 alleles (0.034%); highest among the groups gnomAD compares: Middle Eastern, 0.13%; 1 homozygote.

Submissions (4):

Blueprint Genetics
Classification: Likely benign. Last evaluated: 2024-11-25. Review status: criteria provided, single submitter. Criteria: ACMG Guidelines, 2015. Collection method: clinical testing. Allele origin: germline.

CeGaT Center for Human Genetics Tuebingen
Classification: Likely benign. Last evaluated: 2024-08-01. Review status: criteria provided, single submitter. Criteria: CeGaT Center For Human Genetics Tuebingen Variant Classification Criteria Version 2. Collection method: clinical testing. Allele origin: germline. Affected: yes. Observed: 3 variant alleles.
Comment: KCNT2: PP2, BS1

Ambry Genetics
Classification: Likely benign for Inborn genetic diseases. Last evaluated: 2021-09-28. Review status: criteria provided, single submitter. Criteria: Ambry Variant Classification Scheme 2023. Collection method: clinical testing. Allele origin: germline.

PreventionGenetics, part of Exact Sciences
Classification: Likely benign for KCNT2-related condition. Last evaluated: 2023-08-10. Review status: no assertion criteria provided. Collection method: clinical testing. Allele origin: germline. Not counted in ClinVar's aggregate classification.
Comment: This variant is classified as likely benign based on ACMG/AMP sequence variant interpretation guidelines (Richards et al. 2015 PMID: 25741868, with internal and published modifications).